The following is an entry in ClinVar:

ClinVar aggregate classification (germline): Likely benign (0 of 4 stars; one submission).

Conditions:
CELF2-related disorder. Also called: CELF2-related condition.

Allele frequency attached by ClinVar (database versions not stated): TOPMed 0.00001.
gnomAD v4.1: 3 of 1,613,806 alleles (0.00019%); highest among the groups gnomAD compares: African/African-American, 0.0013%; no homozygotes.

Submission:

PreventionGenetics, part of Exact Sciences
Classification: Likely benign for CELF2-related condition. Last evaluated: 2023-02-20. Review status: no assertion criteria provided. Collection method: clinical testing. Allele origin: germline.
Comment: This variant is classified as likely benign based on ACMG/AMP sequence variant interpretation guidelines (Richards et al. 2015 PMID: 25741868, with internal and published modifications).

NM_001326342.2(CELF2):c.1097-6G>T

Genes: CELF2 (CUGBP Elav-like family member 2; plus strand), CELF2-AS1 (CELF2 antisense RNA 1; minus strand). Cytogenetic location: 10p14.
Variant type: single nucleotide variant.
Coding change: c.1097-6G>T on transcript NM_001326342.2 (MANE Select); 6 bases into the intron before coding-DNA position 1097, G replaced by T.
Molecular consequence: intron variant.
Genome position (GRCh38, 1-based): chr10:11,321,183, G>T. VCF-style: chr10-11321183-G-T. GRCh37 (hg19) VCF-style: chr10-11363146-G-T.
Other names: c.1046-6G>T (NM_001326323.2); c.1004-6G>T (NM_001326320.2, NM_001326318.2, NM_001326324.2 and 6 more transcripts); c.1058-6G>T (NM_001326319.2); c.1046-24G>T (NM_001326321.2); c.1004-24G>T (NM_001326317.2, NM_001326329.2, NM_001326344.2 and 2 more transcripts); c.1169-24G>T (NM_001326325.2); c.1112-6G>T (NM_001326327.2); c.1112-24G>T (NM_001326326.2); and 16 more.
Identifiers: ClinVar variation 3029913 (VCV003029913.2), dbSNP rs1591512334, ClinGen allele CA1890560488.